The following is an entry in ClinVar:

ClinVar aggregate classification (germline): Likely benign (1 of 4 stars; one submission).

Conditions:
NPHP4-related disorder. Also called: NPHP4-related condition; NPHP4-related disorders. Identifiers: MedGen CN239384.

gnomAD v4.1: 75 of 1,502,864 alleles (0.005%); highest among the groups gnomAD compares: African/African-American, 0.094%; no homozygotes.

Submission:

PreventionGenetics, part of Exact Sciences
Classification: Likely benign for NPHP4-related condition. Last evaluated: 2025-06-12. Review status: criteria provided, single submitter. Criteria: ACMG Guidelines, 2015. Collection method: clinical testing. Allele origin: germline.
Comment: This variant is classified as likely benign based on ACMG/AMP sequence variant interpretation guidelines (Richards et al. 2015 PMID: 25741868, with internal and published modifications).

NM_015102.5(NPHP4):c.452+22C>T

Gene: NPHP4 (nephrocystin 4; minus strand). Cytogenetic location: 1p36.31.
Variant type: single nucleotide variant.
Coding change: c.452+22C>T on transcript NM_015102.5 (MANE Select); 22 bases into the intron after coding-DNA position 452, C replaced by T.
Molecular consequence: intron variant.
Genome position (GRCh38, 1-based): chr1:5,969,065, G>A on the plus strand (C>T on the coding strand, the complement: NPHP4 is on the minus strand). VCF-style: chr1-5969065-G-A. GRCh37 (hg19) VCF-style: chr1-6029125-G-A.
Other names: c.-915+22C>T (NM_001291594.2); c.-778+22C>T (NM_001291593.2).
Identifiers: ClinVar variation 4978640 (VCV004978640.1).